The following is an entry in ClinVar:

NM_000138.5(FBN1):c.1668_1671delinsAATGA (p.Cys557fs)

Gene: FBN1 (fibrillin 1; minus strand). Cytogenetic location: 15q21.1.
Variant type: Indel.
Coding change: c.1668_1671delinsAATGA on transcript NM_000138.5 (MANE Select); coding-DNA positions 1668 to 1671, GTGT replaced by AATGA.
Protein change: p.Cys557fs; shifts the reading frame from cysteine 557.
Molecular consequence: frameshift variant.
Genome position (GRCh38, 1-based): chr15:48,510,087-48,510,090, ACAC replaced by TCATT on the plus strand (GTGT replaced by AATGA on the coding strand, the reverse complement: FBN1 is on the minus strand). VCF-style: chr15-48510087-ACAC-TCATT. GRCh37 (hg19) VCF-style: chr15-48802284-ACAC-TCATT.
Other names: c.1668_1671delinsAATGA, p.Cys557fs (NM_001406716.1); short protein forms C557fs.
Identifiers: ClinVar variation 4255453 (VCV004255453.1).

ClinVar aggregate classification (germline): Pathogenic (1 of 4 stars; one submission).

Conditions:
Familial thoracic aortic aneurysm and aortic dissection (TAAD). Also called: Thoracic aortic aneurysms and dissections. Identifiers: Orphanet 91387, MedGen C4707243, MONDO:0019625.

Submission:

Ambry Genetics
Classification: Pathogenic for Familial thoracic aortic aneurysm and aortic dissection. Last evaluated: 2025-06-16. Review status: criteria provided, single submitter. Criteria: Ambry Variant Classification Scheme 2023. Collection method: clinical testing. Allele origin: germline.
Comment: The c.1668_1671delGTGTinsAATGA pathogenic mutation, located in coding exon 13 of the FBN1 gene, results from the deletion of 4 nucleotides and insertion of 5 nucleotides causing a translational frameshift with a predicted alternate stop codon (p.C557Mfs*15). This variant was reported in individual(s) with features consistent with Marfan syndrome (Ambry internal data). This variant is considered to be rare based on population cohorts in the Genome Aggregation Database (gnomAD). This alteration is expected to result in loss of function by premature protein truncation or nonsense-mediated mRNA decay. As such, this alteration is interpreted as a disease-causing mutation.